The following is an entry in ClinVar:

NM_003172.4(SURF1):c.850G>A (p.Ala284Thr)

Gene: SURF1 (SURF1 cytochrome c oxidase assembly factor; minus strand). Cytogenetic location: 9q34.2.
Variant type: single nucleotide variant.
Coding change: c.850G>A on transcript NM_003172.4 (MANE Select); coding-DNA position 850, G replaced by A.
Protein change: p.Ala284Thr; replaces alanine 284 with threonine.
Molecular consequence: missense variant.
Genome position (GRCh38, 1-based): chr9:133,351,966, C>T on the plus strand (G>A on the coding strand, the complement: SURF1 is on the minus strand). VCF-style: chr9-133351966-C-T. GRCh37 (hg19) VCF-style: chr9-136218821-C-T.
Other names: c.523G>A, p.Ala175Thr (NM_001280787.1); short protein forms A175T, A284T.
Identifiers: ClinVar variation 1033977 (VCV001033977.2), dbSNP rs781902619, ClinGen allele CA200831929.
Genomic context (GRCh38, chr9:133,351,966, plus strand): 5'-TGATCTGTCACACACCAGGTGTCCCACGTAGGAATTTCTTAAACCACAGGTAGGATGTAG[C>T]TGCAGAGAGTCCATACCTAGGGGTTGAAAGCAAGCCAGCATTAGCAGGCTGCTAGGCTGA-3'
Protein context (NP_003163.1, residues 274-294): YIVTWYGLSA[Ala284Thr]TSYLWFKKFL

ClinVar aggregate classification (germline): Uncertain significance. Review status: criteria provided, multiple submitters, no conflicts (2 of 4 stars). 2 submissions from 2 submitters: Uncertain significance (2). Last evaluated 2025-11-23.

Conditions:
Inborn genetic diseases. Identifiers: MedGen C0950123, MeSH D030342.
Leigh syndrome (NULS). Also called: Subacute necrotizing encephalopathy; Necrotizing encephalopathy infantile subacute of Leigh; Leigh's syndrome; Leigh Disease; LEIGH SYNDROME, NUCLEAR; Leigh's necrotizing encephalopathy. Identifiers: Orphanet 506, MedGen C2931891, MONDO:0009723, OMIM 256000.

Allele frequency attached by ClinVar (database versions not stated): gnomAD 0.00001; gnomAD exomes 0.00001 and 0.00008; TOPMed 0.00002; ExAC 0.00012.
gnomAD v4.1: 22 of 1,613,832 alleles (0.0014%); highest among the groups gnomAD compares: East Asian, 0.04%; no homozygotes.

Submissions (2):

Ambry Genetics
Classification: Uncertain significance for Inborn genetic diseases. Last evaluated: 2025-11-23. Review status: criteria provided, single submitter. Criteria: Ambry Variant Classification Scheme 2023. Collection method: clinical testing. Allele origin: germline.

Baylor Genetics
Classification: Uncertain significance for Leigh syndrome. Last evaluated: 2018-05-19. Review status: criteria provided, single submitter. Criteria: ACMG Guidelines, 2015. Collection method: clinical testing. Allele origin: paternal. Affected: yes.
Comment: This variant was determined to be of uncertain significance according to ACMG Guidelines, 2015 [PMID:25741868].